The following is an entry in ClinVar:

NM_015338.6(ASXL1):c.3151C>T (p.Arg1051Cys)

Gene: ASXL1 (ASXL transcriptional regulator 1; plus strand). Cytogenetic location: 20q11.21.
Variant type: single nucleotide variant.
Coding change: c.3151C>T on transcript NM_015338.6 (MANE Select); coding-DNA position 3151, C replaced by T.
Protein change: p.Arg1051Cys; replaces arginine 1051 with cysteine.
Molecular consequence: missense variant.
Genome position (GRCh38, 1-based): chr20:32,435,863, C>T. VCF-style: chr20-32435863-C-T. GRCh37 (hg19) VCF-style: chr20-31023666-C-T.
Other names: c.2968C>T, p.Arg990Cys (NM_001363734.1); short protein forms R1051C, R990C.
Identifiers: ClinVar variation 2170142 (VCV002170142.5), dbSNP rs768333722, ClinGen allele CA9808767.

ClinVar aggregate classification (germline): Conflicting classifications of pathogenicity. Review status: criteria provided, conflicting classifications (1 of 4 stars). 2 submissions from 2 submitters: Uncertain significance (1); Likely benign (1). Last evaluated 2025-11-19.

Allele frequency attached by ClinVar (database versions not stated): gnomAD 0.00007; TOPMed 0.00009; ExAC 0.00016.
gnomAD v4.1: 164 of 1,614,062 alleles (0.01%); highest among the groups gnomAD compares: Middle Eastern, 0.016%; no homozygotes.

Submissions (2):

Labcorp Genetics (formerly Invitae), Labcorp
Classification: Uncertain significance. Last evaluated: 2025-11-19. Review status: criteria provided, single submitter. Criteria: Invitae Variant Classification Sherloc (09022015). Collection method: clinical testing. Allele origin: germline.
Comment: This sequence change replaces arginine, which is basic and polar, with cysteine, which is neutral and slightly polar, at codon 1051 of the ASXL1 protein (p.Arg1051Cys). This variant is present in population databases (rs768333722, gnomAD 0.03%). This variant has not been reported in the literature in individuals affected with ASXL1-related conditions. ClinVar contains an entry for this variant (Variation ID: 2170142). An algorithm developed to predict the effect of missense changes on protein structure and function outputs the following: PolyPhen-2: "Benign". The cysteine amino acid residue is found in multiple mammalian species, which suggests that this missense change does not adversely affect protein function. In summary, the available evidence is currently insufficient to determine the role of this variant in disease. Therefore, it has been classified as a Variant of Uncertain Significance.

GeneDx
Classification: Likely benign. Last evaluated: 2024-08-09. Review status: criteria provided, single submitter. Criteria: GeneDx Variant Classification Process June 2021. Collection method: clinical testing. Allele origin: germline. Affected: yes.
Comment: See Variant Classification Assertion Criteria.